The following is an entry in ClinVar:

NM_016589.4(TIMMDC1):c.218A>G (p.Asp73Gly)

Gene: TIMMDC1 (translocase of inner mitochondrial membrane domain containing 1; plus strand). Cytogenetic location: 3q13.33.
Variant type: single nucleotide variant.
Coding change: c.218A>G on transcript NM_016589.4 (MANE Select); coding-DNA position 218, A replaced by G.
Protein change: p.Asp73Gly; replaces aspartic acid 73 with glycine.
Molecular consequence: missense variant.
Genome position (GRCh38, 1-based): chr3:119,500,718, A>G. VCF-style: chr3-119500718-A-G. GRCh37 (hg19) VCF-style: chr3-119219565-A-G.
Other names: short protein forms D73G.
Identifiers: ClinVar variation 1930531 (VCV001930531.5), dbSNP rs1418294450, ClinGen allele CA354054671.
Genomic context (GRCh38, chr3:119,500,718, plus strand): 5'-ACTAATCCCAAACAACATTGTCTTTTTGATGTTGTAGTGAACAGCAGAGAATTTCAAAGG[A>G]CCTTGCTAATATCTGTAAGACGGCAGCTACAGCAGGCATCATTGGCTGGGTGTATGGGGG-3'
Protein context (NP_057673.2, residues 63-83): GKDEQQRISK[Asp73Gly]LANICKTAAT

ClinVar aggregate classification (germline): Uncertain significance (1 of 4 stars; one submission).

Allele frequency attached by ClinVar (database versions not stated): gnomAD exomes below 0.00001.
gnomAD v4.1: 1 of 1,613,558 alleles (0.000062%); highest among the groups gnomAD compares: Admixed American, 0.0017%; no homozygotes.

Submission:

Labcorp Genetics (formerly Invitae), Labcorp
Classification: Uncertain significance. Last evaluated: 2022-05-15. Review status: criteria provided, single submitter. Criteria: Invitae Variant Classification Sherloc (09022015). Collection method: clinical testing. Allele origin: germline.
Comment: This sequence change replaces aspartic acid, which is acidic and polar, with glycine, which is neutral and non-polar, at codon 73 of the TIMMDC1 protein (p.Asp73Gly). This variant is present in population databases (no rsID available, gnomAD 0.003%). This variant has not been reported in the literature in individuals affected with TIMMDC1-related conditions. Algorithms developed to predict the effect of missense changes on protein structure and function are either unavailable or do not agree on the potential impact of this missense change (SIFT: "Deleterious"; PolyPhen-2: "Benign"; Align-GVGD: "Class C0"). Algorithms developed to predict the effect of sequence changes on RNA splicing suggest that this variant may disrupt the consensus splice site. In summary, the available evidence is currently insufficient to determine the role of this variant in disease. Therefore, it has been classified as a Variant of Uncertain Significance.